The following is an entry in ClinVar:

NM_002069.6(GNAI1):c.990_992del (p.Lys330del)

Gene: GNAI1 (G protein subunit alpha i1; plus strand). Cytogenetic location: 7q21.11.
Variant type: Deletion.
Coding change: c.990_992del on transcript NM_002069.6 (MANE Select); coding-DNA positions 990 to 992, 3 bases deleted (GAA; older notation c.990_992delGAA).
Protein change: p.Lys330del; deletes lysine 330.
Genome position (GRCh38, 1-based): chr7:80,217,418-80,217,420, GAA deleted; deleting any 3 consecutive bases within chr7:80,217,416-80,217,420 gives the same sequence; the c. name uses the placement nearest the transcript's 3' end. VCF-style (leftmost placement, unchanged base first): chr7-80217415-TAAG-T. GRCh37 (hg19) VCF-style: chr7-79846731-TAAG-T.
Other names: c.834_836del, p.Lys278del (NM_001256414.2); short protein forms K278del, K330del.
Identifiers: ClinVar variation 3362191 (VCV003362191.1).

ClinVar aggregate classification (germline): Uncertain significance (1 of 4 stars; one submission).

Submission:

GeneDx
Classification: Uncertain significance. Last evaluated: 2023-06-04. Review status: criteria provided, single submitter. Criteria: GeneDx Variant Classification Process June 2021. Collection method: clinical testing. Allele origin: germline. Affected: yes.
Comment: Not observed at significant frequency in large population cohorts (gnomAD); In-frame deletion of 1 amino acid in a non-repeat region; In silico analysis supports a deleterious effect on protein structure/function; Has not been previously published as pathogenic or benign to our knowledge